The following is an entry in ClinVar:

NM_138694.4(PKHD1):c.8068T>A (p.Trp2690Arg)

Gene: PKHD1 (PKHD1 ciliary IPT domain containing fibrocystin/polyductin; minus strand). Cytogenetic location: 6p12.2.
Variant type: single nucleotide variant.
Coding change: c.8068T>A on transcript NM_138694.4 (MANE Select); coding-DNA position 8068, T replaced by A.
Protein change: p.Trp2690Arg; replaces tryptophan 2690 with arginine.
Molecular consequence: missense variant.
Genome position (GRCh38, 1-based): chr6:51,847,814, A>T on the plus strand (T>A on the coding strand, the complement: PKHD1 is on the minus strand). VCF-style: chr6-51847814-A-T. GRCh37 (hg19) VCF-style: chr6-51712612-A-T.
Other names: c.8068T>A, p.Trp2690Arg (NM_170724.3); short protein forms W2690R.
Identifiers: ClinVar variation 4060024 (VCV004060024.2).

ClinVar aggregate classification (germline): Likely pathogenic (1 of 4 stars; one submission).

Conditions:
Autosomal recessive polycystic kidney disease (ARPKD). Also called: AR polycystic kidney disease. Identifiers: Orphanet 731, Orphanet 8378, MedGen C0085548, MeSH D017044, MONDO:0009889.

Submission:

Natera, Inc.
Classification: Likely pathogenic for Autosomal recessive polycystic kidney disease. Last evaluated: 2025-03-31. Review status: criteria provided, single submitter. Criteria: Natera Variant Classification Schema (03/2026). Collection method: clinical testing. Allele origin: germline.
Comment: The c.8068T>A variant in PKHD1 is a missense variant predicted to cause substitution of tryptophan to arginine at amino acid 2690. This variant is rare in the general population with a frequency below the threshold expected for the associated phenotype(s). This variant has been observed in one or more individuals affected with the associated recessive disease, as either homozygous or compound heterozygous with a second variant (PMID: 15698423, 14971004, 20413436). Another variant at this same site results in an alteration predicted to cause a similar molecular effect has been observed in individual(s) with the associated phenotype. Computational prediction algorithms indicate this variant is likely to affect gene or protein function. Given the available evidence, this variant is classified as Likely Pathogenic.

Literature cited by the submitters: PubMed 15698423; PubMed 14971004; PubMed 20413436.